The following is an entry in ClinVar:

NM_000179.3(MSH6):c.3559_3564del (p.Glu1187_Ser1188del)

Gene: MSH6 (mutS homolog 6; plus strand). Cytogenetic location: 2p16.3.
Variant type: Deletion.
Coding change: c.3559_3564del on transcript NM_000179.3 (MANE Select); coding-DNA positions 3559 to 3564, 6 bases deleted (GAAAGT; older notation c.3559_3564delGAAAGT).
Protein change: p.Glu1187_Ser1188del.
Molecular consequence: inframe deletion.
Genome position (GRCh38, 1-based): chr2:47,805,620-47,805,625, GAAAGT deleted; deleting any 6 consecutive bases within chr2:47,805,618-47,805,625 gives the same sequence; the c. name uses the placement nearest the transcript's 3' end. VCF-style (leftmost placement, unchanged base first): chr2-47805617-GGTGAAA-G. GRCh37 (hg19) VCF-style: chr2-48032756-GGTGAAA-G.
Other names: c.3169_3174del, p.Glu1057_Ser1058del (NM_001281492.2); c.2653_2658del, p.Glu885_Ser886del (NM_001281493.2, NM_001281494.2); c.3559_3564delGAAAGT (NM_000179.2).
Identifiers: ClinVar variation 485876 (VCV000485876.7), dbSNP rs1553332604, ClinGen allele CA658655722.

ClinVar aggregate classification (germline): Uncertain significance. Review status: criteria provided, multiple submitters, no conflicts (2 of 4 stars). 2 submissions from 2 submitters: Uncertain significance (2). Last evaluated 2024-04-14.

Conditions:
Hereditary nonpolyposis colorectal neoplasms. Identifiers: MedGen C0009405, MeSH D003123.
Hereditary cancer-predisposing syndrome. Also called: Tumor predisposition; Hereditary Cancer Syndrome; Hereditary neoplastic syndrome; Neoplastic Syndromes, Hereditary. Identifiers: Orphanet 140162, MedGen C0027672, MeSH D009386, MONDO:0015356.

Submissions (2):

Labcorp Genetics (formerly Invitae), Labcorp
Classification: Uncertain significance for Hereditary nonpolyposis colorectal neoplasms. Last evaluated: 2024-04-14. Review status: criteria provided, single submitter. Criteria: Invitae Variant Classification Sherloc (09022015). Collection method: clinical testing. Allele origin: germline.
Comment: This variant, c.3559_3564del, results in the deletion of 2 amino acid(s) of the MSH6 protein (p.Glu1187_Ser1188del), but otherwise preserves the integrity of the reading frame. This variant is not present in population databases (gnomAD no frequency). This variant has not been reported in the literature in individuals affected with MSH6-related conditions. ClinVar contains an entry for this variant (Variation ID: 485876). Algorithms developed to predict the effect of sequence changes on RNA splicing suggest that this variant may disrupt the consensus splice site. This variant disrupts a region of the MSH6 protein in which other variant(s) (p.Ser1188Asn) have been observed in individuals with MSH6-related conditions (Invitae). This suggests that this is a clinically significant region of the protein, and that variants that disrupt it are likely to be disease-causing. In summary, the available evidence is currently insufficient to determine the role of this variant in disease. Therefore, it has been classified as a Variant of Uncertain Significance.

Ambry Genetics
Classification: Uncertain significance for Hereditary cancer-predisposing syndrome. Last evaluated: 2016-12-14. Review status: criteria provided, single submitter. Criteria: Ambry Variant Classification Scheme 2023. Collection method: clinical testing. Allele origin: germline.
Comment: The c.3559_3564delGAAAGT variant (also known as p.E1187_S1188del) is located in coding exon 7 of the MSH6 gene. This variant results from an in-frame GAAAGT deletion at nucleotide positions 3559 to 3564. This results in the in-frame deletion of two amino acids, at codon 1187 to 1188. The deleted nucleotide region is well conserved in available vertebrate species. Since supporting evidence is limited at this time, the clinical significance of this alteration remains unclear.